The following is an entry in ClinVar:

NM_000229.2(LCAT):c.1163C>T (p.Pro388Leu)

Gene: LCAT (lecithin-cholesterol acyltransferase; minus strand). Cytogenetic location: 16q22.1.
Variant type: single nucleotide variant.
Coding change: c.1163C>T on transcript NM_000229.2 (MANE Select); coding-DNA position 1163, C replaced by T.
Protein change: p.Pro388Leu; replaces proline 388 with leucine.
Molecular consequence: missense variant.
Genome position (GRCh38, 1-based): chr16:67,940,064, G>A on the plus strand (C>T on the coding strand, the complement: LCAT is on the minus strand). VCF-style: chr16-67940064-G-A. GRCh37 (hg19) VCF-style: chr16-67973967-G-A.
Other names: short protein forms P388L.
Identifiers: ClinVar variation 2562383 (VCV002562383.3), dbSNP rs2058284056, ClinGen allele CA396375555.

ClinVar aggregate classification (germline): Uncertain significance (1 of 4 stars; one submission).

Conditions:
Cardiovascular phenotype. Identifiers: MedGen CN230736.

Allele frequency attached by ClinVar (database versions not stated): gnomAD exomes below 0.00001.
gnomAD v4.1: 2 of 1,612,828 alleles (0.00012%); highest among the groups gnomAD compares: Non-Finnish European, 0.00017%; no homozygotes.

Submission:

Ambry Genetics
Classification: Uncertain significance for Cardiovascular phenotype. Last evaluated: 2025-09-07. Review status: criteria provided, single submitter. Criteria: Ambry Variant Classification Scheme 2023. Collection method: clinical testing. Allele origin: germline.
Comment: The p.P388L variant (also known as c.1163C>T), located in coding exon 6 of the LCAT gene, results from a C to T substitution at nucleotide position 1163. The proline at codon 388 is replaced by leucine, an amino acid with similar properties. This amino acid position is conserved. In addition, this alteration is predicted to be tolerated by in silico analysis. Since supporting evidence is limited at this time, the clinical significance of this alteration remains unclear.